The following is an entry in ClinVar:

ClinVar aggregate classification (germline): Conflicting classifications of pathogenicity. Review status: criteria provided, conflicting classifications (1 of 4 stars). 17 submissions from 16 submitters: Uncertain significance (7); Likely benign (5). 5 of the submissions do not count toward it. Last evaluated 2026-02-02.

Conditions:
TTN-related disorder. Also called: TTN-related condition; TTN-related disease; TTN-related disorders.
Autosomal recessive limb-girdle muscular dystrophy type 2J (LGMDR10). Also called: MUSCULAR DYSTROPHY, LIMB-GIRDLE, AUTOSOMAL RECESSIVE 10; Limb-girdle muscular dystrophy, type 2J. Identifiers: Orphanet 140922, MedGen C1837342, MONDO:0012127, OMIM 608807.
Dilated cardiomyopathy 1G (CMD1G). Identifiers: Orphanet 154, MedGen C1858763, MONDO:0011400, OMIM 604145.
Cardiomyopathy (CMYO). Also called: Cardiomyopathies. Identifiers: Orphanet 167848, MedGen C0878544, MONDO:0004994, HP:0001638. Inheritance: Various modes of inheritance.
Myopathy, myofibrillar, 9, with early respiratory failure (MFM9). Also called: EDSTROM MYOPATHY; Hereditary myopathy with early respiratory failure; MYOPATHY, PROXIMAL, WITH EARLY RESPIRATORY MUSCLE INVOLVEMENT; Myopathy, distal, with early respiratory failure, autosomal dominant. Identifiers: Orphanet 178464, Orphanet 34521, MedGen C1863599, MONDO:0011362, OMIM 603689.
Primary dilated cardiomyopathy (DCM). Also called: Dilated Cardiomyopathy. Identifiers: Orphanet 217604, MedGen C0007193, MeSH D002311, MONDO:0005021, HP:0001644. Inheritance: Various modes of inheritance.

Allele frequency attached by ClinVar (database versions not stated): gnomAD exomes 0.00006 and 0.00013; ExAC 0.00016; 1000 Genomes Project 0.00020; 1000 Genomes Project 30x 0.00031; ESP Exome Variant Server 0.00050; gnomAD 0.00054 and 0.00060; TOPMed 0.00063.
gnomAD v4.1: 167 of 1,599,590 alleles (0.01%); highest among the groups gnomAD compares: African/African-American, 0.21%; 2 homozygotes.

Submissions 1 to 14 of 17:

Women's Health and Genetics/Laboratory Corporation of America, LabCorp
Classification: Uncertain significance. Last evaluated: 2026-02-02. Review status: criteria provided, single submitter. Criteria: LabCorp Variant Classification Summary - May 2015. Collection method: clinical testing. Allele origin: germline.
Comment: Variant summary: TTN c.25310-2A>C (also known as NM_001267550:c.29042-2A>C) is located in a canonical splice-site and is predicted to affect mRNA splicing resulting in a significantly altered protein due to either exon skipping, shortening, or inclusion of intronic material. Variants that disrupt the consensus splice site are a relatively common cause of aberrant splicing and loss of TTN function. Loss of function variants in all TTN bands are strongly associated with a spectrum of autosomal recessive titinopathies when exon expression (proportion spliced in, PSI, 1=complete expression) in skeletal muscle is >0.1 (PMID: 36977548, 39198997, 29598826, 32778822, 29691892, 33449170, 36977548, internal data). In contrast, loss of function variants in all TTN bands are only strongly associated with autosomal dominant TTN-related cardiomyopathies if located in exons constitutively expressed (PSI >0.9) in cardiac muscle, excluding extreme C-terminal exons 359-363 (PMID: 25589632, 31216868, 32964742, 34662387, 27869827, Shetty et al., Nat Cardiovasc Res 2024,, internal data). This variant has a maximum skeletal muscle PSI of 0.969 and a maximum cardiac muscle PSI of 0.720. Several computational tools predict a significant impact on normal splicing: Three predict the variant abolishes a 3' acceptor site. However, these predictions have yet to be confirmed by functional studies. The variant allele was found at a frequency of 0.0001 in 1599590 control chromosomes, predominantly at a frequency of 0.0021 within the African or African-American subpopulation in the gnomAD database, including 2 homozygotes. The observed variant frequency within African or African-American control individuals in the gnomAD database exceeds the estimated maximal expected allele frequency for disease-causing variants in TTN. c.25310-2A>C has been observed in individuals affected with Dilated Cardiomyopathy, Hypertrophic Cardiomyopathy, sudden cardiac death, and Early-Onset Atrial Fibrillation, without strong evidence for causality (e.g. Roberts_2015, Lopes_2013, Choi_2018, Burstein_2021, Seidelmann_2017, Akinrinade_2016). These reports do not provide unequivocal conclusions about association of the variant with Dilated Cardiomyopathy or other TTN-related disorders. To our knowledge, no experimental evidence demonstrating an impact on protein function has been reported. The following publications have been ascertained in the context of this evaluation (PMID: 32746448, 30535219, 23396983, 25589632, 24503780, 26777568, 28087566, 30987448, 33226272, 38438525, 39968638). ClinVar contains an entry for this variant (Variation ID: 202355). Based on the evidence outlined above, the variant was classified as uncertain significance due to lack of clinical evidence in a low PSI exon.

Labcorp Genetics (formerly Invitae), Labcorp
Classification: Likely benign for Dilated cardiomyopathy 1G; Autosomal recessive limb-girdle muscular dystrophy type 2J. Last evaluated: 2026-01-18. Review status: criteria provided, single submitter. Criteria: Invitae Variant Classification Sherloc (09022015). Collection method: clinical testing. Allele origin: germline.

Mayo Clinic Laboratories, Mayo Clinic
Classification: Uncertain significance. Last evaluated: 2025-10-18. Review status: criteria provided, single submitter. Criteria: ACMG Guidelines, 2015. Collection method: clinical testing. Allele origin: germline. Observed: 1 variant allele.
Comment: BS1, PP3

Revvity Omics, Revvity
Classification: Uncertain significance. Last evaluated: 2025-06-12. Review status: criteria provided, single submitter. Criteria: ACMG Guidelines, 2015. Collection method: clinical testing. Allele origin: germline.

GeneDx
Classification: Likely benign. Last evaluated: 2024-12-05. Review status: criteria provided, single submitter. Criteria: GeneDx Variant Classification Process June 2021. Collection method: clinical testing. Allele origin: germline. Affected: yes.
Comment: See Variant Classification Assertion Criteria.

Blueprint Genetics
Classification: Likely benign. Last evaluated: 2024-10-17. Review status: criteria provided, single submitter. Criteria: ACMG Guidelines, 2015. Collection method: clinical testing. Allele origin: germline.

CHEO Genetics Diagnostic Laboratory, Children's Hospital of Eastern Ontario
Classification: Likely benign for Cardiomyopathy. Last evaluated: 2023-05-16. Review status: criteria provided, single submitter. Criteria: ACMG Guidelines, 2015. Collection method: clinical testing. Allele origin: germline.

Center for Advanced Laboratory Medicine, UC San Diego Health, University of California San Diego
Classification: Likely benign for Cardiomyopathy. Last evaluated: 2019-05-21. Review status: criteria provided, single submitter. Criteria: ACMG Guidelines, 2015. Collection method: clinical testing. Allele origin: germline. Affected: yes. Observed: 1 variant allele.

Baylor Genetics
Classification: Uncertain significance for Myopathy, myofibrillar, 9, with early respiratory failure. Last evaluated: 2018-10-16. Review status: criteria provided, single submitter. Criteria: ACMG Guidelines, 2015. Collection method: clinical testing. Allele origin: paternal. Affected: yes.
Comment: This variant was determined to be of uncertain significance according to ACMG Guidelines, 2015 [PMID:25741868].

Eurofins Ntd Llc (ga)
Classification: Uncertain significance. Last evaluated: 2017-12-21. Review status: criteria provided, single submitter. Criteria: EGL Classification Definitions 2015. Collection method: clinical testing. Allele origin: germline. Observed: 4 variant alleles, 4 heterozygotes.

Laboratory for Molecular Medicine, Mass General Brigham Personalized Medicine
Classification: Uncertain significance. Last evaluated: 2016-03-07. Review status: criteria provided, single submitter. Criteria: LMM Criteria. Collection method: clinical testing. Allele origin: germline. Observed: 2 variant alleles.
Comment: Variant classified as Uncertain Significance - Favor Benign. The c.25310-2A>C va riant in TTN has not been previously reported in individuals with cardiomyopathy , but has been identified in 0.2% (12/6990) of African chromosomes, including 1 homozygote, by the Exome Aggregation Consortium (ExAC; dbSNP rs6716782). This variant occurs in the invariant region (+/- 1,2) o f the splice consensus sequence and is predicted to alter splicing. However, how this variant will impact the protein is unknown. In summary, while the clinical significance of the c.25310-2A>C variant is uncertain, its frequency suggests t hat it is more likely to be benign.

Cardiovascular Biomedical Research Unit, Royal Brompton & Harefield NHS Foundation Trust
Classification: Uncertain significance for Primary dilated cardiomyopathy. Last evaluated: 2014-10-08. Review status: criteria provided, single submitter. Criteria: Roberts et al. 2015. Collection method: research. Allele origin: germline. Inheritance: Autosomal dominant inheritance. Affected: no. Observed: 3 variant alleles. Study: JHS cohort.
Comment: This TTN truncating variant (TTNtv) was identified in three individuals in this cohort and is located in an exon with intermediate levels of cardiac expression. In the seven cohorts assessed, TTNtv were found in 14% of ambulant DCM, 22% end-stage or familial DCM, and 2% controls. Heterozygous nonsense, frameshift and canonical splice-disrupting variants found in constitutive and other highly utilised exons are highly likely to be pathogenic when identified in individuals with phenotypically confirmed DCM. TTNtv found incidentally in healthy individuals (excluding familial assessment of DCM relatives) are thought to have low penetrance, particularly when identified in exons that are not constitutively expressed in the heart.

PreventionGenetics, part of Exact Sciences
Classification: Likely benign for TTN-related condition. Last evaluated: 2023-07-15. Review status: no assertion criteria provided. Collection method: clinical testing. Allele origin: germline. Not counted in ClinVar's aggregate classification.
Comment: This variant is classified as likely benign based on ACMG/AMP sequence variant interpretation guidelines (Richards et al. 2015 PMID: 25741868, with internal and published modifications).

Clinical Genetics DNA and cytogenetics Diagnostics Lab, Erasmus MC, Erasmus Medical Center
Classification: Uncertain significance. Review status: no assertion criteria provided. Collection method: clinical testing. Allele origin: germline. Affected: yes. Study: VKGL Data-share Consensus. Not counted in ClinVar's aggregate classification.

NM_001267550.2(TTN):c.29042-2A>C

Gene: TTN (titin; minus strand). Cytogenetic location: 2q31.2.
Variant type: single nucleotide variant.
Coding change: c.29042-2A>C on transcript NM_001267550.2 (MANE Select); the canonical splice acceptor site of the intron before coding-DNA position 29042, A replaced by C.
Molecular consequence: splice acceptor variant. On other transcripts: intron variant (3).
Genome position (GRCh38, 1-based): chr2:178,706,956, T>G on the plus strand (A>C on the coding strand, the complement: TTN is on the minus strand). VCF-style: chr2-178706956-T-G. GRCh37 (hg19) VCF-style: chr2-179571683-T-G.
Other names: c.29042-2A>C (LRG_391t1); c.13282+31126A>C (NM_003319.4); c.13858+31126A>C (NM_133437.4); c.13657+31126A>C (NM_133432.3); c.25310-2A>C (NM_133378.4); c.28091-2A>C (NM_001256850.1).
Identifiers: ClinVar variation 202355 (VCV000202355.40), dbSNP rs6716782, ClinGen allele CA309191.